The following is an entry in ClinVar:

ClinVar aggregate classification (germline): Conflicting classifications of pathogenicity. Review status: criteria provided, conflicting classifications (1 of 4 stars). 10 submissions from 10 submitters: Uncertain significance (1); Benign (2); Likely benign (6). 1 of the submissions does not count toward it. Last evaluated 2026-09-01.

Conditions:
DYNC2H1-related disorder. Also called: DYNC2H1-related disorders; DYNC2H1-related condition. Identifiers: MedGen CN378770.
Jeune thoracic dystrophy. Also called: Jeune syndrome; Infantile thoracic dystrophy; Thoracic pelvic phalangeal dystrophy; Jeune's syndrome; Chondroectodermal dysplasia-like syndrome; Short-rib thoracic dysplasia. Identifiers: Orphanet 474, MedGen C0265275, MONDO:0018770.
Asphyxiating thoracic dystrophy 3. Also called: SHORT-RIB THORACIC DYSPLASIA 3 WITH OR WITHOUT POLYDACTYLY; Short rib polydactyly syndrome 2B; Saldino-Noonan Syndrome; POLYDACTYLY WITH NEONATAL CHONDRODYSTROPHY, TYPE I; SHORT-RIB THORACIC DYSPLASIA 3/6 WITH POLYDACTYLY, DIGENIC. Identifiers: Orphanet 474, Orphanet 93269, Orphanet 93270, Orphanet 93271, MedGen C0036069, MONDO:0013127, OMIM 613091.
Renal cyst. Also called: cystic kidneys; Renal cysts; Cystic kidney disease. Identifiers: MedGen C3887499, MONDO:0002473, HP:0000107.

Allele frequency attached by ClinVar (database versions not stated): 1000 Genomes Project 30x 0.00141; TOPMed 0.00336; gnomAD 0.00312 and 0.00317; gnomAD exomes 0.00228 and 0.00397; ExAC 0.00424; ESP Exome Variant Server 0.00429; 1000 Genomes Project 0.00160.
gnomAD v4.1: 5,828 of 1,510,838 alleles (0.39%); highest among the groups gnomAD compares: Non-Finnish European, 0.46%; 14 homozygotes.

Submissions (10):

CeGaT Center for Human Genetics Tuebingen
Classification: Likely benign. Last evaluated: 2026-09-01. Review status: criteria provided, single submitter. Criteria: CeGaT Center For Human Genetics Tuebingen Variant Classification Criteria Version 2. Collection method: clinical testing. Allele origin: germline. Affected: yes. Observed: 5 variant alleles.
Comment: DYNC2H1: BS2

Labcorp Genetics (formerly Invitae), Labcorp
Classification: Likely benign for Jeune thoracic dystrophy. Last evaluated: 2026-02-04. Review status: criteria provided, single submitter. Criteria: Invitae Variant Classification Sherloc (09022015). Collection method: clinical testing. Allele origin: germline.

Blueprint Genetics
Classification: Likely benign. Last evaluated: 2024-11-21. Review status: criteria provided, single submitter. Criteria: ACMG Guidelines, 2015. Collection method: clinical testing. Allele origin: germline.

ARUP Laboratories, Molecular Genetics and Genomics, ARUP Laboratories
Classification: Likely benign for Asphyxiating thoracic dystrophy 3. Last evaluated: 2020-11-20. Review status: criteria provided, single submitter. Criteria: ARUP Molecular Germline Variant Investigation Process 2021. Collection method: clinical testing. Allele origin: germline.

Cambridge Genomics Laboratory, East Genomic Laboratory Hub, NHS Genomic Medicine Service
Classification: Uncertain significance for Renal cyst. Last evaluated: 2020-02-19. Review status: criteria provided, single submitter. Criteria: ACGS Best Practice Guidelines for Variant Classification in Rare Disease 2020. Collection method: clinical testing. Allele origin: germline. Affected: yes. Observed: 1 variant allele.

GeneDx
Classification: Benign. Last evaluated: 2018-10-24. Review status: criteria provided, single submitter. Criteria: GeneDx Variant Classification Process June 2021. Collection method: clinical testing. Allele origin: germline. Affected: yes.
Comment: This variant is associated with the following publications: (PMID: 24123776)

Illumina Laboratory Services, Illumina
Classification: Benign for Asphyxiating thoracic dystrophy 3. Last evaluated: 2017-04-27. Review status: criteria provided, single submitter. Criteria: ICSL Variant Classification Criteria 13 December 2019. Collection method: clinical testing. Allele origin: germline.
Comment: This variant was observed as part of a predisposition screen in an ostensibly healthy population. A literature search was performed for the gene, cDNA change, and amino acid change (where applicable). Publications were found based on this search. The evidence from the literature, in combination with allele frequency data from public databases where available, was sufficient to rule this variant out of causing disease. Therefore, this variant is classified as benign.

Eurofins Ntd Llc (ga)
Classification: Likely benign. Last evaluated: 2016-07-05. Review status: criteria provided, single submitter. Criteria: EGL Classification Definitions 2015. Collection method: clinical testing. Allele origin: germline. Observed: 3 variant alleles, 3 heterozygotes.

Breakthrough Genomics
Classification: Likely benign. Review status: criteria provided, single submitter. Criteria: ACMG Guidelines, 2015. Collection method: not provided. Allele origin: germline. Inheritance: Autosomal recessive inheritance. Affected: yes.

PreventionGenetics, part of Exact Sciences
Classification: Likely benign for DYNC2H1-related condition. Last evaluated: 2021-02-11. Review status: no assertion criteria provided. Collection method: clinical testing. Allele origin: germline. Not counted in ClinVar's aggregate classification.
Comment: This variant is classified as likely benign based on ACMG/AMP sequence variant interpretation guidelines (Richards et al. 2015 PMID: 25741868, with internal and published modifications).

Literature cited by the submitters: PubMed 24123776 (cited by Illumina Laboratory Services, Illumina).

NM_001377.3(DYNC2H1):c.8881G>A (p.Ala2961Thr)

Gene: DYNC2H1 (dynein cytoplasmic 2 heavy chain 1; plus strand). Cytogenetic location: 11q22.3.
Variant type: single nucleotide variant.
Coding change: c.8881G>A on transcript NM_001377.3 (MANE Select); coding-DNA position 8881, G replaced by A.
Protein change: p.Ala2961Thr; replaces alanine 2961 with threonine.
Molecular consequence: missense variant.
Genome position (GRCh38, 1-based): chr11:103,219,963, G>A. VCF-style: chr11-103219963-G-A. GRCh37 (hg19) VCF-style: chr11-103090692-G-A.
Other names: c.8881G>A, p.Ala2961Thr (NM_001080463.2); short protein forms A2961T.
Identifiers: ClinVar variation 93530 (VCV000093530.50), dbSNP rs199568537, ClinGen allele CA221477.